The following is an entry in ClinVar:

NM_152703.5(SAMD9L):c.2980C>A (p.Leu994Met)

Gene: SAMD9L (sterile alpha motif domain containing 9 like; minus strand). Cytogenetic location: 7q21.2.
Variant type: single nucleotide variant.
Coding change: c.2980C>A on transcript NM_152703.5 (MANE Select); coding-DNA position 2980, C replaced by A.
Protein change: p.Leu994Met; replaces leucine 994 with methionine.
Molecular consequence: missense variant.
Genome position (GRCh38, 1-based): chr7:93,132,992, G>T on the plus strand (C>A on the coding strand, the complement: SAMD9L is on the minus strand). VCF-style: chr7-93132992-G-T. GRCh37 (hg19) VCF-style: chr7-92762305-G-T.
Other names: c.2980C>A, p.Leu994Met (NM_001303496.3, NM_001303497.3, NM_001303498.3 and 5 more transcripts); short protein forms L994M.
Identifiers: ClinVar variation 3792314 (VCV003792314.1).

ClinVar aggregate classification (germline): Uncertain significance (1 of 4 stars; one submission).

Conditions:
Inborn genetic diseases. Identifiers: MedGen C0950123, MeSH D030342.

Submission:

Ambry Genetics
Classification: Uncertain significance for Inborn genetic diseases. Last evaluated: 2025-01-14. Review status: criteria provided, single submitter. Criteria: Ambry Variant Classification Scheme 2023. Collection method: clinical testing. Allele origin: germline.
Comment: The p.L994M variant (also known as c.2980C>A), located in coding exon 1 of the SAMD9L gene, results from a C to A substitution at nucleotide position 2980. The leucine at codon 994 is replaced by methionine, an amino acid with highly similar properties. This amino acid position is conserved. In addition, this alteration is predicted to be tolerated by in silico analysis. Based on the available evidence, the clinical significance of this variant remains unclear.